The following is an entry in ClinVar:

NM_000094.4(COL7A1):c.6199G>A (p.Gly2067Arg)

Gene: COL7A1 (collagen type VII alpha 1 chain; minus strand). Cytogenetic location: 3p21.31.
Variant type: single nucleotide variant.
Coding change: c.6199G>A on transcript NM_000094.4 (MANE Select); coding-DNA position 6199, G replaced by A.
Protein change: p.Gly2067Arg; replaces glycine 2067 with arginine.
Molecular consequence: missense variant.
Genome position (GRCh38, 1-based): chr3:48,575,224, C>T on the plus strand (G>A on the coding strand, the complement: COL7A1 is on the minus strand). VCF-style: chr3-48575224-C-T. GRCh37 (hg19) VCF-style: chr3-48612657-C-T.
Other names: short protein forms G2067R.
Identifiers: ClinVar variation 2571819 (VCV002571819.1), dbSNP rs2530966244, ClinGen allele CA352662619.

ClinVar aggregate classification (germline): Pathogenic (1 of 4 stars; one submission).

Submission:

GeneDx
Classification: Pathogenic. Last evaluated: 2023-07-07. Review status: criteria provided, single submitter. Criteria: GeneDx Variant Classification Process June 2021. Collection method: clinical testing. Allele origin: germline. Affected: yes.
Comment: Located in the highly conserved Gly-X-Y repeat of the collagenous domain; Glycine substitution variants in this region of the COLVII protein destabilize the collagen triple helix resulting in skin fragility due to poor anchoring of the basement membrane to the underlying dermis (Pfendner and Lucky, 2018); Not observed at significant frequency in large population cohorts (gnomAD); In silico analysis supports that this missense variant has a deleterious effect on protein structure/function; This variant is associated with the following publications: (PMID: 21448560, 16271705)